The following is an entry in ClinVar:

NM_012452.3(TNFRSF13B):c.674A>G (p.Glu225Gly)

Gene: TNFRSF13B (TNF receptor superfamily member 13B; minus strand). Cytogenetic location: 17p11.2.
Variant type: single nucleotide variant.
Coding change: c.674A>G on transcript NM_012452.3 (MANE Select); coding-DNA position 674, A replaced by G.
Protein change: p.Glu225Gly; replaces glutamic acid 225 with glycine.
Molecular consequence: missense variant.
Genome position (GRCh38, 1-based): chr17:16,939,755, T>C on the plus strand (A>G on the coding strand, the complement: TNFRSF13B is on the minus strand). VCF-style: chr17-16939755-T-C. GRCh37 (hg19) VCF-style: chr17-16843069-T-C.
Other names: short protein forms E225G.
Identifiers: ClinVar variation 1047616 (VCV001047616.5), dbSNP rs2087494088, ClinGen allele CA398519261.

ClinVar aggregate classification (germline): Uncertain significance (1 of 4 stars; one submission).

Conditions:
Immunodeficiency, common variable, 2 (CVID2). Also called: HYPOGAMMAGLOBULINEMIA DUE TO TACI DEFICIENCY; ANTIBODY DEFICIENCY DUE TO TACI DEFECT. Identifiers: Orphanet 1572, MedGen C3150354, MONDO:0009413, OMIM 240500.

Submission:

Labcorp Genetics (formerly Invitae), Labcorp
Classification: Uncertain significance for Immunodeficiency, common variable, 2. Last evaluated: 2022-07-19. Review status: criteria provided, single submitter. Criteria: Invitae Variant Classification Sherloc (09022015). Collection method: clinical testing. Allele origin: germline.
Comment: In summary, the available evidence is currently insufficient to determine the role of this variant in disease. Therefore, it has been classified as a Variant of Uncertain Significance. Algorithms developed to predict the effect of missense changes on protein structure and function are either unavailable or do not agree on the potential impact of this missense change (SIFT: "Deleterious"; PolyPhen-2: "Benign"; Align-GVGD: "Class C0"). ClinVar contains an entry for this variant (Variation ID: 1047616). This variant has not been reported in the literature in individuals affected with TNFRSF13B-related conditions. This variant is not present in population databases (gnomAD no frequency). This sequence change replaces glutamic acid, which is acidic and polar, with glycine, which is neutral and non-polar, at codon 225 of the TNFRSF13B protein (p.Glu225Gly).